The following is an entry in ClinVar:

ClinVar aggregate classification (germline): Uncertain significance (1 of 4 stars; one submission).

Allele frequency attached by ClinVar (database versions not stated): gnomAD exomes 0.00001.
gnomAD v4.1: 11 of 1,613,700 alleles (0.00068%); highest among the groups gnomAD compares: Non-Finnish European, 0.00093%; no homozygotes.

Submission:

Labcorp Genetics (formerly Invitae), Labcorp
Classification: Uncertain significance. Last evaluated: 2024-01-19. Review status: criteria provided, single submitter. Criteria: Invitae Variant Classification Sherloc (09022015). Collection method: clinical testing. Allele origin: germline.
Comment: This sequence change replaces arginine, which is basic and polar, with threonine, which is neutral and polar, at codon 1442 of the FN1 protein (p.Arg1442Thr). This variant is present in population databases (no rsID available, gnomAD 0.002%). This variant has not been reported in the literature in individuals affected with FN1-related conditions. ClinVar contains an entry for this variant (Variation ID: 1936510). An algorithm developed to predict the effect of missense changes on protein structure and function (PolyPhen-2) suggests that this variant is likely to be tolerated. In summary, the available evidence is currently insufficient to determine the role of this variant in disease. Therefore, it has been classified as a Variant of Uncertain Significance.

NM_212482.4(FN1):c.4325G>C (p.Arg1442Thr)

Gene: FN1 (fibronectin 1; minus strand). Cytogenetic location: 2q35.
Variant type: single nucleotide variant.
Coding change: c.4325G>C on transcript NM_212482.4 (MANE Select); coding-DNA position 4325, G replaced by C.
Protein change: p.Arg1442Thr; replaces arginine 1442 with threonine.
Molecular consequence: missense variant.
Genome position (GRCh38, 1-based): chr2:215,388,229, C>G on the plus strand (G>C on the coding strand, the complement: FN1 is on the minus strand). VCF-style: chr2-215388229-C-G. GRCh37 (hg19) VCF-style: chr2-216252952-C-G.
Other names: c.4325G>C, p.Arg1442Thr (NM_001306129.2, NM_001306130.2, NM_001365517.2 and 3 more transcripts); c.4052G>C, p.Arg1351Thr (NM_001306131.2, NM_001306132.2, NM_001365518.2 and 7 more transcripts); short protein forms R1351T, R1442T.
Identifiers: ClinVar variation 1936510 (VCV001936510.5), dbSNP rs775863568, ClinGen allele CA350482258.
Genomic context (GRCh38, chr2:215,388,229, plus strand): 5'-TAGGCAAAAGCTACTGGATAGTCATACTGCCAACACCACTCACCTGTTTTCTGTCTTCCT[C>G]TAAGAGGTGTGCTCTCATGTTGTTCGTAGACACTGGAGACACTCACTACATATTCTGTAC-3'
Protein context (NP_997647.2, residues 1432-1452): VYEQHESTPL[Arg1442Thr]GRQKTGLDSP